The following is an entry in ClinVar:

NM_007186.6(CEP250):c.3464G>A (p.Arg1155Gln)

Gene: CEP250 (centrosomal protein 250; plus strand). Cytogenetic location: 20q11.22.
Variant type: single nucleotide variant.
Coding change: c.3464G>A on transcript NM_007186.6 (MANE Select); coding-DNA position 3464, G replaced by A.
Protein change: p.Arg1155Gln; replaces arginine 1155 with glutamine.
Molecular consequence: missense variant.
Genome position (GRCh38, 1-based): chr20:35,497,876, G>A. VCF-style: chr20-35497876-G-A. GRCh37 (hg19) VCF-style: chr20-34085705-G-A.
Other names: c.1568G>A, p.Arg523Gln (NM_001318219.1); short protein forms R1155Q, R523Q.
Identifiers: ClinVar variation 1512940 (VCV001512940.7), dbSNP rs768729732, ClinGen allele CA9833472.

ClinVar aggregate classification (germline): Uncertain significance. Review status: criteria provided, multiple submitters, no conflicts (2 of 4 stars). 2 submissions from 2 submitters: Uncertain significance (2). Last evaluated 2024-09-11.

Allele frequency attached by ClinVar (database versions not stated): gnomAD 0.00001; gnomAD exomes 0.00002; TOPMed 0.00002; ExAC 0.00005.
gnomAD v4.1: 26 of 1,600,272 alleles (0.0016%); highest among the groups gnomAD compares: Admixed American, 0.012%; no homozygotes.

Submissions (2):

Blueprint Genetics
Classification: Uncertain significance. Last evaluated: 2024-09-11. Review status: criteria provided, single submitter. Criteria: ACMG Guidelines, 2015. Collection method: clinical testing. Allele origin: germline.

Labcorp Genetics (formerly Invitae), Labcorp
Classification: Uncertain significance. Last evaluated: 2024-03-26. Review status: criteria provided, single submitter. Criteria: Invitae Variant Classification Sherloc (09022015). Collection method: clinical testing. Allele origin: germline.
Comment: This sequence change replaces arginine, which is basic and polar, with glutamine, which is neutral and polar, at codon 1155 of the CEP250 protein (p.Arg1155Gln). This variant is present in population databases (rs768729732, gnomAD 0.01%). This variant has not been reported in the literature in individuals affected with CEP250-related conditions. ClinVar contains an entry for this variant (Variation ID: 1512940). Algorithms developed to predict the effect of missense changes on protein structure and function output the following: SIFT: "Not Available"; PolyPhen-2: "Benign"; Align-GVGD: "Not Available". The glutamine amino acid residue is found in multiple mammalian species, which suggests that this missense change does not adversely affect protein function. In summary, the available evidence is currently insufficient to determine the role of this variant in disease. Therefore, it has been classified as a Variant of Uncertain Significance.